The following is an entry in ClinVar:

NM_033026.6(PCLO):c.9347G>A (p.Arg3116Lys)

Gene: PCLO (piccolo presynaptic cytomatrix protein; minus strand). Cytogenetic location: 7q21.11.
Variant type: single nucleotide variant.
Coding change: c.9347G>A on transcript NM_033026.6 (MANE Select); coding-DNA position 9347, G replaced by A.
Protein change: p.Arg3116Lys; replaces arginine 3116 with lysine.
Molecular consequence: missense variant.
Genome position (GRCh38, 1-based): chr7:82,951,241, C>T on the plus strand (G>A on the coding strand, the complement: PCLO is on the minus strand). VCF-style: chr7-82951241-C-T. GRCh37 (hg19) VCF-style: chr7-82580557-C-T.
Other names: c.9347G>A, p.Arg3116Lys (NM_014510.3); c.9347G>A (NM_033026.5); short protein forms R3116K.
Identifiers: ClinVar variation 1520453 (VCV001520453.7), dbSNP rs1396171899, ClinGen allele CA367908696.

ClinVar aggregate classification (germline): Uncertain significance. Review status: criteria provided, multiple submitters, no conflicts (2 of 4 stars). 2 submissions from 2 submitters: Uncertain significance (2). Last evaluated 2023-08-10.

Conditions:
Inborn genetic diseases. Identifiers: MedGen C0950123, MeSH D030342.

Allele frequency attached by ClinVar (database versions not stated): gnomAD exomes 0.00001; gnomAD 0.00002; TOPMed 0.00002.
gnomAD v4.1: 25 of 1,613,514 alleles (0.0015%); highest among the groups gnomAD compares: Non-Finnish European, 0.0019%; no homozygotes.

Submissions (2):

Labcorp Genetics (formerly Invitae), Labcorp
Classification: Uncertain significance. Last evaluated: 2023-08-10. Review status: criteria provided, single submitter. Criteria: Invitae Variant Classification Sherloc (09022015). Collection method: clinical testing. Allele origin: germline.
Comment: In summary, the available evidence is currently insufficient to determine the role of this variant in disease. Therefore, it has been classified as a Variant of Uncertain Significance. Algorithms developed to predict the effect of missense changes on protein structure and function output the following: SIFT: "Not Available"; PolyPhen-2: "Not Available"; Align-GVGD: "Not Available". The lysine amino acid residue is found in multiple mammalian species, which suggests that this missense change does not adversely affect protein function. ClinVar contains an entry for this variant (Variation ID: 1520453). This sequence change replaces arginine, which is basic and polar, with lysine, which is basic and polar, at codon 3116 of the PCLO protein (p.Arg3116Lys). This variant is not present in population databases (gnomAD no frequency). This variant has not been reported in the literature in individuals affected with PCLO-related conditions.

Ambry Genetics
Classification: Uncertain significance for Inborn genetic diseases. Last evaluated: 2022-12-14. Review status: criteria provided, single submitter. Criteria: Ambry Variant Classification Scheme 2023. Collection method: clinical testing. Allele origin: germline.